The following is an entry in ClinVar:

NM_000051.4(ATM):c.4976T>G (p.Ile1659Arg)

Gene: ATM (ATM serine/threonine kinase; plus strand). Cytogenetic location: 11q22.3.
Variant type: single nucleotide variant.
Coding change: c.4976T>G on transcript NM_000051.4 (MANE Select); coding-DNA position 4976, T replaced by G.
Protein change: p.Ile1659Arg; replaces isoleucine 1659 with arginine.
Molecular consequence: missense variant.
Genome position (GRCh38, 1-based): chr11:108,297,353, T>G. VCF-style: chr11-108297353-T-G. GRCh37 (hg19) VCF-style: chr11-108168080-T-G.
Other names: c.4976T>G, p.Ile1659Arg (NM_001351834.2); short protein forms I1659R.
Identifiers: ClinVar variation 825337 (VCV000825337.4), dbSNP rs1555103271, ClinGen allele CA382538437.

ClinVar aggregate classification (germline): Uncertain significance (1 of 4 stars; one submission).

Conditions:
Hereditary cancer-predisposing syndrome. Also called: Neoplastic Syndromes, Hereditary; Tumor predisposition; Hereditary neoplastic syndrome; Hereditary Cancer Syndrome. Identifiers: Orphanet 140162, MedGen C0027672, MeSH D009386, MONDO:0015356.

Submission:

Ambry Genetics
Classification: Uncertain significance for Hereditary cancer-predisposing syndrome. Last evaluated: 2019-09-26. Review status: criteria provided, single submitter. Criteria: Ambry Variant Classification Scheme 2023. Collection method: clinical testing. Allele origin: germline.
Comment: The p.I1659R variant (also known as c.4976T>G), located in coding exon 32 of the ATM gene, results from a T to G substitution at nucleotide position 4976. The isoleucine at codon 1659 is replaced by arginine, an amino acid with similar properties. This amino acid position is poorly conserved in available vertebrate species. In addition, this alteration is predicted to be tolerated by in silico analysis. Since supporting evidence is limited at this time, the clinical significance of this alteration remains unclear.